The following is an entry in ClinVar:

NM_000548.5(TSC2):c.913G>A (p.Gly305Arg)

Gene: TSC2 (TSC complex subunit 2; plus strand). Cytogenetic location: 16p13.3.
Variant type: single nucleotide variant.
Coding change: c.913G>A on transcript NM_000548.5 (MANE Select); coding-DNA position 913, G replaced by A.
Protein change: p.Gly305Arg; replaces glycine 305 with arginine.
Molecular consequence: missense variant.
Genome position (GRCh38, 1-based): chr16:2,058,811, G>A. VCF-style: chr16-2058811-G-A. GRCh37 (hg19) VCF-style: chr16-2108812-G-A.
Other names: c.913G>A, p.Gly305Arg (NM_001077183.3, NM_001114382.3, NM_001363528.2 and 3 more transcripts); c.802G>A, p.Gly268Arg (NM_001318827.2); c.766G>A, p.Gly256Arg (NM_001318829.2); c.313G>A, p.Gly105Arg (NM_001318831.2); c.946G>A, p.Gly316Arg (NM_001318832.2); short protein forms G305R, G316R, G256R, G268R, G105R.
Identifiers: ClinVar variation 574339 (VCV000574339.10), dbSNP rs1567415674, ClinGen allele CA394315341.
Genomic context (GRCh38, chr16:2,058,811, plus strand): 5'-TACATGGAGGACGCGCCCCTGCTGAGAGGAGCCGTGTTTTTTGTGGGCATGGCTCTCTGG[G>A]GAGCCCACCGGCTCTATTCTCTCAGGAACTCGCCGACATCTGTGTTGCCATCATTTTACC-3'
Protein context (NP_000539.2, residues 295-315): AVFFVGMALW[Gly305Arg]AHRLYSLRNS

ClinVar aggregate classification (germline): Uncertain significance (1 of 4 stars; one submission).

Conditions:
Tuberous sclerosis 2 (TSC2). Identifiers: Orphanet 805, MedGen C1860707, MONDO:0013199, OMIM 613254.

Submission:

Labcorp Genetics (formerly Invitae), Labcorp
Classification: Uncertain significance for Tuberous sclerosis 2. Last evaluated: 2022-02-19. Review status: criteria provided, single submitter. Criteria: Invitae Variant Classification Sherloc (09022015). Collection method: clinical testing. Allele origin: germline.
Comment: This sequence change replaces glycine, which is neutral and non-polar, with arginine, which is basic and polar, at codon 305 of the TSC2 protein (p.Gly305Arg). This variant is not present in population databases (gnomAD no frequency). This variant has not been reported in the literature in individuals affected with TSC2-related conditions. In summary, the available evidence is currently insufficient to determine the role of this variant in disease. Therefore, it has been classified as a Variant of Uncertain Significance. Algorithms developed to predict the effect of missense changes on protein structure and function (SIFT, PolyPhen-2, Align-GVGD) all suggest that this variant is likely to be disruptive. ClinVar contains an entry for this variant (Variation ID: 574339).